The following is an entry in ClinVar:

ClinVar aggregate classification (germline): Conflicting classifications of pathogenicity. Review status: criteria provided, conflicting classifications (1 of 4 stars). 5 submissions from 5 submitters: Uncertain significance (4); Likely benign (1). Last evaluated 2024-09-10.

Conditions:
Autosomal recessive nonsyndromic hearing loss 48. Also called: Usher Syndrome Type 1J; Deafness, autosomal recessive 48. Identifiers: Orphanet 231169, Orphanet 886, Orphanet 90636, MedGen C1836199, MONDO:0012273, OMIM 609439.

Allele frequency attached by ClinVar (database versions not stated): TOPMed 0.00009; ESP Exome Variant Server 0.00023.
gnomAD v4.1: 313 of 1,614,068 alleles (0.019%); highest among the groups gnomAD compares: Non-Finnish European, 0.024%; no homozygotes.

Submissions (5):

Blueprint Genetics
Classification: Likely benign. Last evaluated: 2024-09-10. Review status: criteria provided, single submitter. Criteria: ACMG Guidelines, 2015. Collection method: clinical testing. Allele origin: germline.

Labcorp Genetics (formerly Invitae), Labcorp
Classification: Uncertain significance. Last evaluated: 2024-04-14. Review status: criteria provided, single submitter. Criteria: Invitae Variant Classification Sherloc (09022015). Collection method: clinical testing. Allele origin: germline.
Comment: This sequence change replaces arginine, which is basic and polar, with leucine, which is neutral and non-polar, at codon 134 of the CIB2 protein (p.Arg134Leu). This variant is present in population databases (rs199819065, gnomAD 0.07%). This variant has not been reported in the literature in individuals affected with CIB2-related conditions. ClinVar contains an entry for this variant (Variation ID: 938513). An algorithm developed to predict the effect of missense changes on protein structure and function (PolyPhen-2) suggests that this variant is likely to be disruptive. In summary, the available evidence is currently insufficient to determine the role of this variant in disease. Therefore, it has been classified as a Variant of Uncertain Significance.

Mayo Clinic Laboratories, Mayo Clinic
Classification: Uncertain significance. Last evaluated: 2023-04-14. Review status: criteria provided, single submitter. Criteria: ACMG Guidelines, 2015. Collection method: clinical testing. Allele origin: germline. Observed: 1 variant allele.
Comment: PM2_supporting

GeneDx
Classification: Uncertain significance. Last evaluated: 2023-04-06. Review status: criteria provided, single submitter. Criteria: GeneDx Variant Classification Process June 2021. Collection method: clinical testing. Allele origin: germline. Affected: yes.
Comment: In silico analysis supports that this missense variant does not alter protein structure/function; Has not been previously published as pathogenic or benign to our knowledge

Fulgent Genetics
Classification: Uncertain significance for Autosomal recessive nonsyndromic hearing loss 48. Last evaluated: 2021-08-19. Review status: criteria provided, single submitter. Criteria: ACMG Guidelines, 2015. Collection method: clinical testing. Allele origin: unknown.

NM_006383.4(CIB2):c.401G>T (p.Arg134Leu)

Gene: CIB2 (calcium and integrin binding family member 2; minus strand). Cytogenetic location: 15q25.1.
Variant type: single nucleotide variant.
Coding change: c.401G>T on transcript NM_006383.4 (MANE Select); coding-DNA position 401, G replaced by T.
Protein change: p.Arg134Leu; replaces arginine 134 with leucine.
Molecular consequence: missense variant. On other transcripts: non-coding transcript variant (1).
Genome position (GRCh38, 1-based): chr15:78,105,880, C>A on the plus strand (G>T on the coding strand, the complement: CIB2 is on the minus strand). VCF-style: chr15-78105880-C-A. GRCh37 (hg19) VCF-style: chr15-78398222-C-A.
Other names: p.Arg134Leu; c.272G>T, p.Arg91Leu (NM_001271888.2); c.254G>T, p.Arg85Leu (NM_001271889.2); c.416G>T, p.Arg139Leu (NM_001301224.2); short protein forms R85L, R91L, R134L, R139L.
Identifiers: ClinVar variation 938513 (VCV000938513.9), dbSNP rs199819065, ClinGen allele CA7680175.